The following is an entry in ClinVar:

ClinVar aggregate classification (germline): Likely benign (1 of 4 stars; one submission).

Allele frequency attached by ClinVar (database versions not stated): gnomAD 0.00002; TOPMed 0.00002.
gnomAD v4.1: 20 of 1,598,308 alleles (0.0013%); highest among the groups gnomAD compares: East Asian, 0.0022%; no homozygotes.

Submission:

CeGaT Center for Human Genetics Tuebingen
Classification: Likely benign. Last evaluated: 2024-03-01. Review status: criteria provided, single submitter. Criteria: CeGaT Center For Human Genetics Tuebingen Variant Classification Criteria Version 2. Collection method: clinical testing. Allele origin: germline. Affected: yes. Observed: 1 variant allele.
Comment: HECW2: BP4

NM_001348768.2(HECW2):c.2251G>A (p.Glu751Lys)

Gene: HECW2 (HECT, C2 and WW domain containing E3 ubiquitin protein ligase 2; minus strand). Cytogenetic location: 2q32.3.
Variant type: single nucleotide variant.
Coding change: c.2251G>A on transcript NM_001348768.2 (MANE Select); coding-DNA position 2251, G replaced by A.
Protein change: p.Glu751Lys; replaces glutamic acid 751 with lysine.
Molecular consequence: missense variant.
Genome position (GRCh38, 1-based): chr2:196,318,639, C>T on the plus strand (G>A on the coding strand, the complement: HECW2 is on the minus strand). VCF-style: chr2-196318639-C-T. GRCh37 (hg19) VCF-style: chr2-197183363-C-T.
Other names: c.1183G>A, p.Glu395Lys (NM_001304840.3); c.2251G>A, p.Glu751Lys (NM_020760.4); short protein forms E395K, E751K.
Identifiers: ClinVar variation 3067438 (VCV003067438.21), dbSNP rs984877524, ClinGen allele CA62783477.
Genomic context (GRCh38, chr2:196,318,639, plus strand): 5'-TTGCCCCTTCACAGGTGCCTTGGGCCTCCCCAGCACTGCCTTCTTCTTGCGGTGGGCTCT[C>T]GGCAGCAGCTGCAGCTCCCTCCAGGCTCCCCCTCCGCTGCCAGACCTCCCCCAGCTCCTC-3'
Protein context (NP_001335697.1, residues 741-761): GSLEGAAAAA[Glu751Lys]SPPQEEGSAG